The following is an entry in ClinVar:

NM_000533.5(PLP1):c.454-314T>A

Genes: PLP1 (proteolipid protein 1; plus strand), RAB9B (RAB9B, member RAS oncogene family; minus strand). Cytogenetic location: Xq22.2.
Variant type: single nucleotide variant.
Coding change: c.454-314T>A on transcript NM_000533.5 (MANE Select); 314 bases into the intron before coding-DNA position 454, T replaced by A.
Molecular consequence: intron variant.
Genome position (GRCh38, 1-based): chrX:103,787,484, T>A. VCF-style: chrX-103787484-T-A. GRCh37 (hg19) VCF-style: chrX-103042413-T-A.
Other names: c.454-314T>A (NM_001128834.3); c.349-314T>A (NM_199478.3); c.289-314T>A (NM_001305004.1).
Identifiers: ClinVar variation 3255433 (VCV003255433.2), dbSNP rs2074506871.
Genomic context (GRCh38, chrX:103,787,484, plus strand): 5'-AATGTTCCTATGGCAAGGAACATGTTCTAAGCTCAGCCTAAGGCACAAAATGGCACGACT[T>A]TCTTTCAAGATCTGTTTTGATTTCTTTACACCTTATCTGCCCAAAAACATCCTCTGAAGC-3'

ClinVar aggregate classification (germline): Likely pathogenic (1 of 4 stars; one submission).

Conditions:
Pelizaeus-Merzbacher disease. Also called: LEUKODYSTROPHY, HYPOMYELINATING, 1; Sudanophilic leukodystrophy; Pelizaeus-Merzbacher spectrum disorder; Pelizaeus-Merzbacher Disease (PMD); Pelizeaus-Merzbacher spectrum disorder. Identifiers: Orphanet 702, MedGen C0205711, MONDO:0010714, OMIM 312080, HP:0003269.

Submission:

Molecular Diagnostics Lab, Nemours Children's Health, Delaware
Classification: Likely pathogenic for Pelizaeus-Merzbacher disease. Last evaluated: 2022-01-24. Review status: criteria provided, single submitter. Criteria: ACMG Guidelines, 2015. Collection method: clinical testing. Allele origin: unknown. Inheritance: X-linked inheritance. Affected: yes. Observed: 1 hemizygote.
Comment: This intronic variant (c.454-314T>A) has not been observed in population databases (gnomAD). It has been described in the literature (PMID 24890387, PMID 26125040), and functional studies have shown a deleterious effect on protein expression. It has been found in six affected males over two generations in a single family.

Literature cited by the submitters: PubMed 24890387; PubMed 26125040.